The following is an entry in ClinVar:

ClinVar aggregate classification (germline): Uncertain significance (1 of 4 stars; one submission).

Conditions:
Methylcobalamin deficiency type cblG (HMAG). Also called: HOMOCYSTINURIA-MEGALOBLASTIC ANEMIA, cblG TYPE; HOMOCYSTINURIA-MEGALOBLASTIC ANEMIA DUE TO DEFECT IN COBALAMIN METABOLISM, cblG COMPLEMENTATION TYPE; Functional methionine synthase deficiency type cblG; HOMOCYSTINURIA-MEGALOBLASTIC ANEMIA, cblG COMPLEMENTATION TYPE. Identifiers: Orphanet 2170, Orphanet 622, MedGen C1855128, MONDO:0009609, OMIM 250940.

Allele frequency attached by ClinVar (database versions not stated): gnomAD 0.00003; gnomAD exomes 0.00009; ExAC 0.00025.
gnomAD v4.1: 133 of 1,614,036 alleles (0.0082%); highest among the groups gnomAD compares: South Asian, 0.13%; 2 homozygotes.

Submission:

Labcorp Genetics (formerly Invitae), Labcorp
Classification: Uncertain significance for Methylcobalamin deficiency type cblG. Last evaluated: 2022-07-11. Review status: criteria provided, single submitter. Criteria: Invitae Variant Classification Sherloc (09022015). Collection method: clinical testing. Allele origin: germline.
Comment: This sequence change affects codon 11 of the MTR mRNA. It is a 'silent' change, meaning that it does not change the encoded amino acid sequence of the MTR protein. It affects a nucleotide within the consensus splice site. This variant is present in population databases (rs552329149, gnomAD 0.2%). This variant has not been reported in the literature in individuals affected with MTR-related conditions. Algorithms developed to predict the effect of sequence changes on RNA splicing suggest that this variant is not likely to affect RNA splicing. In summary, the available evidence is currently insufficient to determine the role of this variant in disease. Therefore, it has been classified as a Variant of Uncertain Significance.

NM_000254.3(MTR):c.33C>T (p.Pro11=)

Genes: MTR (5-methyltetrahydrofolate-homocysteine methyltransferase; plus strand), LOC129932886 (ATAC-STARR-seq lymphoblastoid active region 2827; plus strand). Cytogenetic location: 1q43.
Variant type: single nucleotide variant.
Coding change: c.33C>T on transcript NM_000254.3 (MANE Select); coding-DNA position 33, C replaced by T.
Protein change: p.Pro11=; no amino-acid change (proline 11 retained).
Molecular consequence: synonymous variant. On other transcripts: 5 prime UTR variant (1).
Genome position (GRCh38, 1-based): chr1:236,795,736, C>T. VCF-style: chr1-236795736-C-T. GRCh37 (hg19) VCF-style: chr1-236959036-C-T.
Other names: c.33C>T, p.Pro11= (NM_001291939.1, NM_001410942.1); c.-1076C>T (NM_001291940.2).
Identifiers: ClinVar variation 2048162 (VCV002048162.1), dbSNP rs552329149, ClinGen allele CA1473599.
Genomic context (GRCh38, chr1:236,795,736, plus strand): 5'-CCTCTGCGCAAGGAGGAGACTCGACAACATGTCACCCGCGCTCCAAGACCTGTCGCAACC[C>T]GGTAACGCTGCGACCCCGTCTGCGTGGTTGGGTTGTGTTTCTTAACTCGTGCTGTGGCCT-3'
Protein context (NP_000245.2, residues 1-21): MSPALQDLSQ[Pro11=]EGLKKTLRDE